The following is an entry in ClinVar:

ClinVar aggregate classification (germline): Pathogenic (1 of 4 stars; one submission).

Conditions:
TTN-related disorder. Also called: TTN-related condition; TTN-related disease; TTN-related disorders.

Allele frequency attached by ClinVar (database versions not stated): gnomAD exomes below 0.00001.
gnomAD v4.1: 2 of 1,613,550 alleles (0.00012%); highest among the groups gnomAD compares: East Asian, 0.0022%; no homozygotes.

Submission:

Illumina Laboratory Services, Illumina
Classification: Pathogenic. Last evaluated: 2017-06-29. Review status: criteria provided, single submitter. Criteria: ICSLVariantClassificationCriteria RUGD 01 April 2020. Collection method: clinical testing. Allele origin: unknown.
Comment: The TTN c.21231G>A p.(Trp7077Ter) variant is expected to result in the loss of normal protein function through either protein truncation or nonsense-mediated mRNA decay. To our knowledge, this variant has not been reported in the peer-reviewed literature. The p.Trp7077Ter variant is reported in the Genome Aggregation Database in one allele at a frequency of 0.00006 in the East Asian population (version 2.1.1). The Trp7077 residue is highly conserved across evolution. Based on the evidence, the c.21231G>A p.(Trp7077Ter) variant is classified as pathogenic for TTN-related disorders.

NM_001267550.2(TTN):c.21231G>A (p.Trp7077Ter)

Genes: TTN (titin; minus strand), LOC126806428 (BRD4-independent group 4 enhancer GRCh37_chr2:179588362-179589561; plus strand). Cytogenetic location: 2q31.2.
Variant type: single nucleotide variant.
Coding change: c.21231G>A on transcript NM_001267550.2 (MANE Select); coding-DNA position 21231, G replaced by A.
Protein change: p.Trp7077Ter; replaces tryptophan 7077 with a stop codon.
Molecular consequence: nonsense. On other transcripts: intron variant (3).
Genome position (GRCh38, 1-based): chr2:178,724,028, C>T on the plus strand (G>A on the coding strand, the complement: TTN is on the minus strand). VCF-style: chr2-178724028-C-T. GRCh37 (hg19) VCF-style: chr2-179588755-C-T.
Other names: c.20280G>A, p.Trp6760Ter (NM_001256850.1); c.17499G>A, p.Trp5833Ter (NM_133378.4); c.13282+14054G>A (NM_003319.4); c.13858+14054G>A (NM_133437.4); c.13657+14054G>A (NM_133432.3); short protein forms W5833*, W6760*, W7077*.
Identifiers: ClinVar variation 3062114 (VCV003062114.1), dbSNP rs1392832988, ClinGen allele CA349536531.
Genomic context (GRCh38, chr2:178,724,028, plus strand): 5'-ATTATCTGAAAATGTGGTTTGGTACTTTGCTCCACTGACAATCTTGGTTTTCTCATGAAA[C>T]CAGGCAACTGAAATAGGTGATGATCCAGCTACTTTGCATTCCAAGATGCAAGAAGCACCT-3'